The following is an entry in ClinVar:

NM_003737.4(DCHS1):c.854G>A (p.Gly285Asp)

Gene: DCHS1 (dachsous cadherin-related 1; minus strand). Cytogenetic location: 11p15.4.
Variant type: single nucleotide variant.
Coding change: c.854G>A on transcript NM_003737.4 (MANE Select); coding-DNA position 854, G replaced by A.
Protein change: p.Gly285Asp; replaces glycine 285 with aspartic acid.
Molecular consequence: missense variant.
Genome position (GRCh38, 1-based): chr11:6,640,760, C>T on the plus strand (G>A on the coding strand, the complement: DCHS1 is on the minus strand). VCF-style: chr11-6640760-C-T. GRCh37 (hg19) VCF-style: chr11-6661991-C-T.
Other names: short protein forms G285D.
Identifiers: ClinVar variation 4988549 (VCV004988549.1).
Genomic context (GRCh38, chr11:6,640,760, plus strand): 5'-AAGGGTCCATCACCCTCGCTCTGCCTCCGGTTGATCTCGTAAGTCACAGCCCCATTGACA[C>T]CAGCATCGGCATCAGATGCGAACACCTGCAAGACAGGACTGCCAGGGGCCAGGCTCTCAG-3'
Protein context (NP_003728.1, residues 275-295): LQVFASDADA[Gly285Asp]VNGAVTYEIN

ClinVar aggregate classification (germline): Uncertain significance (1 of 4 stars; one submission).

Conditions:
DCHS1-related disorder. Also called: DCHS1-related condition.

Submission:

PreventionGenetics, part of Exact Sciences
Classification: Uncertain significance for DCHS1-related condition. Last evaluated: 2024-12-06. Review status: criteria provided, single submitter. Criteria: ACMG Guidelines, 2015. Collection method: clinical testing. Allele origin: germline.
Comment: The DCHS1 c.854G>A variant is predicted to result in the amino acid substitution p.Gly285Asp. To our knowledge, this variant has not been reported in the literature. This variant is reported in 0.0054% of alleles in individuals of East Asian descent in gnomAD. At this time, the clinical significance of this variant is uncertain due to the absence of conclusive functional and genetic evidence.